The following is an entry in ClinVar:

NM_003038.5(SLC1A4):c.1152C>G (p.Ile384Met)

Gene: SLC1A4 (solute carrier family 1 member 4; plus strand). Cytogenetic location: 2p14.
Variant type: single nucleotide variant.
Coding change: c.1152C>G on transcript NM_003038.5 (MANE Select); coding-DNA position 1152, C replaced by G.
Protein change: p.Ile384Met; replaces isoleucine 384 with methionine.
Molecular consequence: missense variant.
Genome position (GRCh38, 1-based): chr2:65,018,188, C>G. VCF-style: chr2-65018188-C-G. GRCh37 (hg19) VCF-style: chr2-65245322-C-G.
Other names: c.258C>G, p.Ile86Met (NM_001193493.2); c.492C>G, p.Ile164Met (NM_001348406.2, NM_001348407.2); short protein forms I86M, I384M, I164M.
Identifiers: ClinVar variation 1375835 (VCV001375835.6), dbSNP rs2103679208, ClinGen allele CA347010184.

ClinVar aggregate classification (germline): Uncertain significance (1 of 4 stars; one submission).

Submission:

Labcorp Genetics (formerly Invitae), Labcorp
Classification: Uncertain significance. Last evaluated: 2021-12-02. Review status: criteria provided, single submitter. Criteria: Invitae Variant Classification Sherloc (09022015). Collection method: clinical testing. Allele origin: germline.
Comment: In summary, the available evidence is currently insufficient to determine the role of this variant in disease. Therefore, it has been classified as a Variant of Uncertain Significance. Algorithms developed to predict the effect of missense changes on protein structure and function are either unavailable or do not agree on the potential impact of this missense change (SIFT: "Deleterious"; PolyPhen-2: "Probably Damaging"; Align-GVGD: "Class C0"). This variant has not been reported in the literature in individuals affected with SLC1A4-related conditions. This variant is not present in population databases (gnomAD no frequency). This sequence change replaces isoleucine, which is neutral and non-polar, with methionine, which is neutral and non-polar, at codon 384 of the SLC1A4 protein (p.Ile384Met).